The following is an entry in ClinVar:

NM_015978.3(TNNI3K):c.1401G>C (p.Glu467Asp)

Genes: FPGT-TNNI3K (FPGT-TNNI3K readthrough; plus strand), TNNI3K (TNNI3 interacting kinase; plus strand). Cytogenetic location: 1p31.1.
Variant type: single nucleotide variant.
Coding change: c.1401G>C on transcript NM_015978.3 (MANE Select); coding-DNA position 1401, G replaced by C.
Protein change: p.Glu467Asp; replaces glutamic acid 467 with aspartic acid.
Molecular consequence: missense variant.
Genome position (GRCh38, 1-based): chr1:74,369,101, G>C. VCF-style: chr1-74369101-G-C. GRCh37 (hg19) VCF-style: chr1-74834785-G-C.
Other names: c.1704G>C, p.Glu568Asp (NM_001112808.3, NM_001199327.2); short protein forms E467D, E568D.
Identifiers: ClinVar variation 3459419 (VCV003459419.3).

ClinVar aggregate classification (germline): Uncertain significance. Review status: criteria provided, multiple submitters, no conflicts (2 of 4 stars). 2 submissions from 2 submitters: Uncertain significance (2). Last evaluated 2025-10-02.

Conditions:
Inborn genetic diseases. Identifiers: MedGen C0950123, MeSH D030342.

gnomAD v4.1: 1 of 1,609,788 alleles (0.000062%); highest among the groups gnomAD compares: East Asian, 0.0022%; no homozygotes.

Submissions (2):

Labcorp Genetics (formerly Invitae), Labcorp
Classification: Uncertain significance. Last evaluated: 2025-10-02. Review status: criteria provided, single submitter. Criteria: Invitae Variant Classification Sherloc (09022015). Collection method: clinical testing. Allele origin: germline.
Comment: This sequence change replaces glutamic acid, which is acidic and polar, with aspartic acid, which is acidic and polar, at codon 467 of the TNNI3K protein (p.Glu467Asp). This variant is not present in population databases (gnomAD no frequency). This variant has not been reported in the literature in individuals affected with TNNI3K-related conditions. ClinVar contains an entry for this variant (Variation ID: 3459419). Invitae Evidence Modeling of protein sequence and biophysical properties (such as structural, functional, and spatial information, amino acid conservation, physicochemical variation, residue mobility, and thermodynamic stability) indicates that this missense variant is not expected to disrupt TNNI3K protein function with a negative predictive value of 80%. In summary, the available evidence is currently insufficient to determine the role of this variant in disease. Therefore, it has been classified as a Variant of Uncertain Significance.

Ambry Genetics
Classification: Uncertain significance for Inborn genetic diseases. Last evaluated: 2024-07-27. Review status: criteria provided, single submitter. Criteria: Ambry Variant Classification Scheme 2023. Collection method: clinical testing. Allele origin: germline.